The following is an entry in ClinVar:

NM_001852.4(COL9A2):c.340-2A>G

Gene: COL9A2 (collagen type IX alpha 2 chain; minus strand). Cytogenetic location: 1p34.2.
Variant type: single nucleotide variant.
Coding change: c.340-2A>G on transcript NM_001852.4 (MANE Select); the canonical splice acceptor site of the intron before coding-DNA position 340, A replaced by G.
Molecular consequence: splice acceptor variant.
Genome position (GRCh38, 1-based): chr1:40,312,481, T>C on the plus strand (A>G on the coding strand, the complement: COL9A2 is on the minus strand). VCF-style: chr1-40312481-T-C. GRCh37 (hg19) VCF-style: chr1-40778153-T-C.
Identifiers: ClinVar variation 4292083 (VCV004292083.1).

ClinVar aggregate classification (germline): Likely pathogenic (1 of 4 stars; one submission).

Conditions:
Epiphyseal dysplasia, multiple, 2 (EDM2). Also called: COL9A2-Related Multiple Epiphyseal Dysplasia. Identifiers: MedGen C1838429, MONDO:0010844, OMIM 600204.

Submission:

3billion
Classification: Likely pathogenic for Epiphyseal dysplasia, multiple, 2. Last evaluated: 2024-07-05. Review status: criteria provided, single submitter. Criteria: ACMG Guidelines, 2015. Collection method: clinical testing. Allele origin: germline. Affected: yes.
Comment: The variant is not observed in the gnomAD v4.0.0 dataset. Predicted Consequence/Location: Canonical splice site: predicted to alter splicing and result in a loss or disruption of normal protein function. Multiple pathogenic loss-of-function variants are reported downstream of the variant. In silico tools predict the variant to alter splicing and produce an abnormal transcript [SpliceAI: 0.98 (spliceogenicity >=0.2, non-spliceogenicity <0.1)]. Therefore, this variant is classified as Likely pathogenic according to the recommendation of ACMG/AMP guideline.